The following is an entry in ClinVar:

NM_001395159.1(UNC79):c.6973C>T (p.Arg2325Ter)

Gene: UNC79 (unc-79 subunit of NALCN channel complex; plus strand). Cytogenetic location: 14q32.12.
Variant type: single nucleotide variant.
Coding change: c.6973C>T on transcript NM_001395159.1 (MANE Select); coding-DNA position 6973, C replaced by T.
Protein change: p.Arg2325Ter; replaces arginine 2325 with a stop codon.
Molecular consequence: nonsense.
Genome position (GRCh38, 1-based): chr14:93,673,354, C>T. VCF-style: chr14-93673354-C-T. GRCh37 (hg19) VCF-style: chr14-94139700-C-T.
Other names: c.6907C>T, p.Arg2303Ter (NM_001346218.2); c.6226C>T, p.Arg2076Ter (NM_020818.5); short protein forms R2076*, R2303*, R2325*.
Identifiers: ClinVar variation 3370626 (VCV003370626.2).

ClinVar aggregate classification (germline): Pathogenic (1 of 4 stars; one submission).

gnomAD v4.1: 1 of 1,611,450 alleles (0.000062%); highest among the groups gnomAD compares: Non-Finnish European, 0.000085%; no homozygotes.

Submission:

GeneDx
Classification: Pathogenic. Last evaluated: 2026-09-24. Review status: criteria provided, single submitter. Criteria: GeneDx Variant Classification Process June 2021. Collection method: clinical testing. Allele origin: germline.
Comment: Nonsense variant predicted to result in protein truncation or nonsense mediated decay in a gene for which loss of function is a known mechanism of disease; Not observed at significant frequency in large population cohorts (gnomAD); Has not been previously published as pathogenic or benign to our knowledge